The following is an entry in ClinVar:

ClinVar aggregate classification (germline): Uncertain significance (1 of 4 stars; one submission).

Conditions:
Inborn genetic diseases. Identifiers: MedGen C0950123, MeSH D030342.

Allele frequency attached by ClinVar (database versions not stated): gnomAD 0.00001; gnomAD exomes 0.00002.
gnomAD v4.1: 31 of 1,427,910 alleles (0.0022%); highest among the groups gnomAD compares: Non-Finnish European, 0.0027%; no homozygotes.

Submission:

Ambry Genetics
Classification: Uncertain significance for Inborn genetic diseases. Last evaluated: 2023-12-21. Review status: criteria provided, single submitter. Criteria: Ambry Variant Classification Scheme 2023. Collection method: clinical testing. Allele origin: germline.
Comment: The p.R1301H variant (also known as c.3902G>A), located in coding exon 28 of the LTBP3 gene, results from a G to A substitution at nucleotide position 3902. The arginine at codon 1301 is replaced by histidine, an amino acid with highly similar properties. This amino acid position is conserved. In addition, the in silico prediction for this alteration is inconclusive. Since supporting evidence is limited at this time, the clinical significance of this alteration remains unclear.

NM_001130144.3(LTBP3):c.3902G>A (p.Arg1301His)

Gene: LTBP3 (latent transforming growth factor beta binding protein 3; minus strand). Cytogenetic location: 11q13.1.
Variant type: single nucleotide variant.
Coding change: c.3902G>A on transcript NM_001130144.3 (MANE Select); coding-DNA position 3902, G replaced by A.
Protein change: p.Arg1301His; replaces arginine 1301 with histidine.
Molecular consequence: missense variant.
Genome position (GRCh38, 1-based): chr11:65,539,090, C>T on the plus strand (G>A on the coding strand, the complement: LTBP3 is on the minus strand). VCF-style: chr11-65539090-C-T. GRCh37 (hg19) VCF-style: chr11-65306561-C-T.
Other names: c.3410G>A, p.Arg1137His (NM_001164266.1); c.3761G>A, p.Arg1254His (NM_021070.4); short protein forms R1137H, R1254H, R1301H.
Identifiers: ClinVar variation 3233182 (VCV003233182.1), dbSNP rs1239972478, ClinGen allele CA381265761.
Genomic context (GRCh38, chr11:65,539,090, plus strand): 5'-AAATCCCTCAGTGATCACCGAGGTCTGGGCCGAGGGCGGCGTCGGCGGCGTCAGCGGCGG[C>T]GCTGGGGAACGCAGGCCCCGTGCGGGCGGCTGCGCGCGAAGCCGGCTTTGCAGACGCAGC-3'
Protein context (NP_001123616.1, residues 1291-1303): SRPHGACVPQ[Arg1301His]RR